The following is an entry in ClinVar:

NM_020987.5(ANK3):c.9489G>A (p.Gly3163=)

Gene: ANK3 (ankyrin 3; minus strand). Cytogenetic location: 10q21.2.
Variant type: single nucleotide variant.
Coding change: c.9489G>A on transcript NM_020987.5 (MANE Select); coding-DNA position 9489, G replaced by A.
Protein change: p.Gly3163=; no amino-acid change (glycine 3163 retained).
Molecular consequence: synonymous variant. On other transcripts: intron variant (4).
Genome position (GRCh38, 1-based): chr10:60,071,392, C>T on the plus strand (G>A on the coding strand, the complement: ANK3 is on the minus strand). VCF-style: chr10-60071392-C-T. GRCh37 (hg19) VCF-style: chr10-61831150-C-T.
Other names: c.4388-3383G>A (NM_001204403.2); c.4409-3383G>A (NM_001204404.2); c.4406-3383G>A (NM_001320874.2); c.1808-3383G>A (NM_001149.4).
Identifiers: ClinVar variation 2172503 (VCV002172503.9), dbSNP rs761545221, ClinGen allele CA5511373.

ClinVar aggregate classification (germline): Likely benign. Review status: criteria provided, multiple submitters, no conflicts (2 of 4 stars). 2 submissions from 2 submitters: Likely benign (2). Last evaluated 2025-12-01.

Allele frequency attached by ClinVar (database versions not stated): TOPMed 0.00001; ExAC 0.00002; gnomAD 0.00002; gnomAD exomes 0.00003.
gnomAD v4.1: 44 of 1,613,982 alleles (0.0027%); highest among the groups gnomAD compares: Non-Finnish European, 0.0037%; no homozygotes.

Submissions (2):

CeGaT Center for Human Genetics Tuebingen
Classification: Likely benign. Last evaluated: 2025-12-01. Review status: criteria provided, single submitter. Criteria: CeGaT Center For Human Genetics Tuebingen Variant Classification Criteria Version 2. Collection method: clinical testing. Allele origin: germline. Affected: yes. Observed: 1 variant allele.
Comment: ANK3: BP4, BP7

Labcorp Genetics (formerly Invitae), Labcorp
Classification: Likely benign. Last evaluated: 2025-11-04. Review status: criteria provided, single submitter. Criteria: Invitae Variant Classification Sherloc (09022015). Collection method: clinical testing. Allele origin: germline.